The following is an entry in ClinVar:

NM_001329943.3(KIAA0586):c.3305-3T>C

Gene: KIAA0586 (KIAA0586; plus strand). Cytogenetic location: 14q23.1.
Variant type: single nucleotide variant.
Coding change: c.3305-3T>C on transcript NM_001329943.3 (MANE Select); 3 bases into the intron before coding-DNA position 3305, T replaced by C.
Molecular consequence: intron variant.
Genome position (GRCh38, 1-based): chr14:58,487,884, T>C. VCF-style: chr14-58487884-T-C. GRCh37 (hg19) VCF-style: chr14-58954602-T-C.
Other names: c.3464-3T>C (NM_001244189.2); c.3260-3T>C (NM_001244190.2); c.3173-3T>C (NM_001244192.2); c.3050-3T>C (NM_001244191.2, NM_001364701.2, NM_001329945.2 and 1 more transcripts); c.3305-3T>C (NM_001329944.2, NM_001329946.2, NM_001329947.2); c.3077-3T>C (NM_014749.5); c.2885-3T>C (NM_001244193.2).
Identifiers: ClinVar variation 1958951 (VCV001958951.5), dbSNP rs2543666119, ClinGen allele CA2580088267.

ClinVar aggregate classification (germline): Uncertain significance (1 of 4 stars; one submission).

Conditions:
Joubert syndrome 23 (JBTS23). Identifiers: Orphanet 475, MedGen C4084822, MONDO:0014664, OMIM 616490.
Short-rib thoracic dysplasia 14 with polydactyly (SRTD14). Identifiers: Orphanet 397715, MedGen C4225286, MONDO:0014688, OMIM 616546.

gnomAD v4.1: 1 of 1,609,096 alleles (0.000062%); no homozygotes.

Submission:

Labcorp Genetics (formerly Invitae), Labcorp
Classification: Uncertain significance for Joubert syndrome 23; Short-rib thoracic dysplasia 14 with polydactyly. Last evaluated: 2022-06-14. Review status: criteria provided, single submitter. Criteria: Invitae Variant Classification Sherloc (09022015). Collection method: clinical testing. Allele origin: germline.
Comment: Variants that disrupt the consensus splice site are a relatively common cause of aberrant splicing (PMID: 17576681, 9536098). Algorithms developed to predict the effect of sequence changes on RNA splicing suggest that this variant is not likely to affect RNA splicing. In summary, the available evidence is currently insufficient to determine the role of this variant in disease. Therefore, it has been classified as a Variant of Uncertain Significance. This variant has not been reported in the literature in individuals affected with KIAA0586-related conditions. This variant is not present in population databases (gnomAD no frequency). This sequence change falls in intron 24 of the KIAA0586 gene. It does not directly change the encoded amino acid sequence of the KIAA0586 protein. It affects a nucleotide within the consensus splice site.

Literature cited by the submitters: PubMed 17576681; PubMed 9536098.